The following is an entry in ClinVar:

NM_001101.5(ACTB):c.68G>A (p.Gly23Asp)

Gene: ACTB (actin beta; minus strand). Cytogenetic location: 7p22.1.
Variant type: single nucleotide variant.
Coding change: c.68G>A on transcript NM_001101.5 (MANE Select); coding-DNA position 68, G replaced by A.
Protein change: p.Gly23Asp; replaces glycine 23 with aspartic acid.
Molecular consequence: missense variant.
Genome position (GRCh38, 1-based): chr7:5,529,590, C>T on the plus strand (G>A on the coding strand, the complement: ACTB is on the minus strand). VCF-style: chr7-5529590-C-T. GRCh37 (hg19) VCF-style: chr7-5569221-C-T.
Other names: short protein forms G23D.
Identifiers: ClinVar variation 3061893 (VCV003061893.1), dbSNP rs2533851418, ClinGen allele CA366706999.

ClinVar aggregate classification (germline): Uncertain significance (1 of 4 stars; one submission).

Conditions:
Baraitser-Winter syndrome 1 (BRWS1). Also called: BARAITSER-WINTER SYNDROME 1, ATYPICAL; PACHYGYRIA, MENTAL RETARDATION, EPILEPSY, AND CHARACTERISTIC FACIES; MENTAL RETARDATION WITH EPILEPSY AND CHARACTERISTIC FACIES; Cerebrofrontofacial syndrome. Identifiers: Orphanet 2649, Orphanet 2995, MedGen C1855722, MONDO:0009470, OMIM 243310.

Submission:

MVZ Medizinische Genetik Mainz
Classification: Uncertain significance for Baraitser-Winter syndrome 1. Last evaluated: 2022-08-30. Review status: criteria provided, single submitter. Criteria: UK Practice Guidelines For Variant Classification V4 01 2020. Collection method: clinical testing. Allele origin: germline. Inheritance: Autosomal dominant inheritance. Affected: yes. Observed: 1 variant allele.
Comment: PM2_SUP, PP2, PP3 (ACMG Version 4); PM6_SUP